The following is an entry in ClinVar:

NM_002354.3(EPCAM):c.596C>G (p.Ser199Cys)

Gene: EPCAM (epithelial cell adhesion molecule; plus strand). Cytogenetic location: 2p21.
Variant type: single nucleotide variant.
Coding change: c.596C>G on transcript NM_002354.3 (MANE Select); coding-DNA position 596, C replaced by G.
Protein change: p.Ser199Cys; replaces serine 199 with cysteine.
Molecular consequence: missense variant.
Genome position (GRCh38, 1-based): chr2:47,378,993, C>G. VCF-style: chr2-47378993-C-G. GRCh37 (hg19) VCF-style: chr2-47606132-C-G.
Other names: short protein forms S199C.
Identifiers: ClinVar variation 1750774 (VCV001750774.2), dbSNP rs1217962638, ClinGen allele CA346724172.

ClinVar aggregate classification (germline): Uncertain significance (1 of 4 stars; one submission).

Conditions:
Hereditary cancer-predisposing syndrome. Also called: Hereditary Cancer Syndrome; Hereditary neoplastic syndrome; Neoplastic Syndromes, Hereditary; Tumor predisposition. Identifiers: Orphanet 140162, MedGen C0027672, MeSH D009386, MONDO:0015356.

Allele frequency attached by ClinVar (database versions not stated): gnomAD exomes below 0.00001; TOPMed below 0.00001.
gnomAD v4.1: 2 of 1,602,638 alleles (0.00012%); highest among the groups gnomAD compares: Non-Finnish European, 0.00017%; no homozygotes.

Submission:

Ambry Genetics
Classification: Uncertain significance for Hereditary cancer-predisposing syndrome. Last evaluated: 2024-03-27. Review status: criteria provided, single submitter. Criteria: Ambry Variant Classification Scheme 2023. Collection method: clinical testing. Allele origin: germline.
Comment: The p.S199C variant (also known as c.596C>G), located in coding exon 6 of the EPCAM gene, results from a C to G substitution at nucleotide position 596. The serine at codon 199 is replaced by cysteine, an amino acid with dissimilar properties. This amino acid position is conserved. In addition, the in silico prediction for this alteration is inconclusive. Since supporting evidence is limited at this time, the clinical significance of this alteration remains unclear.